The following is an entry in ClinVar:

ClinVar aggregate classification (germline): Uncertain significance (1 of 4 stars; one submission).

Conditions:
Muscular dystrophy-dystroglycanopathy (congenital with brain and eye anomalies), type a, 11 (MDDGA11). Also called: Muscular dystrophy-dystroglycanopathy (congenital with brain and eye anomalies, type A, 11; Congenital muscular dystrophy-dystroglycanopathy with brain and eye anomalies, type A11; WALKER-WARBURG SYNDROME OR MUSCLE-EYE-BRAIN DISEASE, B3GALNT2-RELATED. Identifiers: Orphanet 588, Orphanet 899, MedGen C3554638, MONDO:0014071, OMIM 615181.

Submission:

Labcorp Genetics (formerly Invitae), Labcorp
Classification: Uncertain significance for Muscular dystrophy-dystroglycanopathy (congenital with brain and eye anomalies), type a, 11. Last evaluated: 2019-05-30. Review status: criteria provided, single submitter. Criteria: Invitae Variant Classification Sherloc (09022015). Collection method: clinical testing. Allele origin: germline.
Comment: This variant results in a copy number gain of the genomic region encompassing exon 6 of the B3GALNT2 gene. While the exact position of this variant cannot be determined from this data, sub-genic copy number gains are generally in tandem (PMID: 25640679). This variant would be expected to be in-frame, preserving the integrity of the reading frame. This variant has not been reported in the literature in individuals with B3GALNT2-related conditions. In summary, the available evidence is currently insufficient to determine the role of this variant in disease. Therefore, it has been classified as a Variant of Uncertain Significance.

Literature cited by the submitters: PubMed 25640679.

NC_000001.11:g.(?_235470840)_(235470970_?)dup

Gene: B3GALNT2 (beta-1,3-N-acetylgalactosaminyltransferase 2; minus strand). Cytogenetic location: 1q42.3.
Variant type: Duplication.
Identifiers: ClinVar variation 832926 (VCV000832926.6).